The following is an entry in ClinVar:

NM_004320.6(ATP2A1):c.787del (p.Val263fs)

Gene: ATP2A1 (ATPase sarcoplasmic/endoplasmic reticulum Ca2+ transporting 1; plus strand). Cytogenetic location: 16p11.2.
Variant type: Deletion.
Coding change: c.787del on transcript NM_004320.6 (MANE Select); coding-DNA position 787, one base deleted (G; older notation c.787delG).
Protein change: p.Val263fs; shifts the reading frame from valine 263.
Molecular consequence: frameshift variant.
Genome position (GRCh38, 1-based): chr16:28,887,581, G deleted; the last of 2 consecutive G bases (chr16:28,887,580-28,887,581); deleting either gives the same sequence. VCF-style (leftmost placement, unchanged base first): chr16-28887579-AG-A. GRCh37 (hg19) VCF-style: chr16-28898900-AG-A.
Other names: c.412del, p.Val138fs (NM_001286075.2); c.787del, p.Val263fs (NM_173201.5); short protein forms V138fs, V263fs.
Identifiers: ClinVar variation 3656302 (VCV003656302.2).

ClinVar aggregate classification (germline): Pathogenic (1 of 4 stars; one submission).

Conditions:
Brody myopathy. Also called: BRODY DISEASE. Identifiers: Orphanet 53347, MedGen C1832918, MONDO:0010977, OMIM 601003.

Submission:

Labcorp Genetics (formerly Invitae), Labcorp
Classification: Pathogenic for Brody myopathy. Last evaluated: 2024-06-11. Review status: criteria provided, single submitter. Criteria: Invitae Variant Classification Sherloc (09022015). Collection method: clinical testing. Allele origin: germline.
Comment: This sequence change creates a premature translational stop signal (p.Val263Serfs*71) in the ATP2A1 gene. It is expected to result in an absent or disrupted protein product. Loss-of-function variants in ATP2A1 are known to be pathogenic (PMID: 8841193, 10914677, 23911890). This variant is not present in population databases (gnomAD no frequency). This variant has not been reported in the literature in individuals affected with ATP2A1-related conditions. For these reasons, this variant has been classified as Pathogenic.

Literature cited by the submitters: PubMed 8841193; PubMed 10914677; PubMed 23911890.